The following is an entry in ClinVar:

ClinVar aggregate classification (germline): Likely benign. Review status: criteria provided, multiple submitters, no conflicts (2 of 4 stars). 2 submissions from 2 submitters: Likely benign (2). Last evaluated 2018-06-18.

Allele frequency attached by ClinVar (database versions not stated): gnomAD 0.01548 and 0.01757; TOPMed 0.01664; gnomAD exomes 0.02227; 1000 Genomes Project 30x 0.02623; 1000 Genomes Project 0.02676.
gnomAD v4.1: 35,121 of 1,606,364 alleles (2.2%); highest among the groups gnomAD compares: South Asian, 8.3%; 687 homozygotes.

Submissions (2):

GeneDx
Classification: Likely benign. Last evaluated: 2018-06-18. Review status: criteria provided, single submitter. Criteria: GeneDx Variant Classification (06012015). Collection method: clinical testing. Allele origin: germline. Affected: yes.
Comment: This variant is considered likely benign or benign based on one or more of the following criteria: it is a conservative change, it occurs at a poorly conserved position in the protein, it is predicted to be benign by multiple in silico algorithms, and/or has population frequency not consistent with disease.

Breakthrough Genomics
Classification: Likely benign. Review status: criteria provided, single submitter. Criteria: ACMG Guidelines, 2015. Collection method: not provided. Allele origin: germline. Inheritance: Autosomal dominant inheritance. Affected: yes.

NM_001376.5(DYNC1H1):c.5818-65G>A

Gene: DYNC1H1 (dynein cytoplasmic 1 heavy chain 1; plus strand). Cytogenetic location: 14q32.31.
Variant type: single nucleotide variant.
Coding change: c.5818-65G>A on transcript NM_001376.5 (MANE Select); 65 bases into the intron before coding-DNA position 5818, G replaced by A.
Molecular consequence: intron variant.
Genome position (GRCh38, 1-based): chr14:102,008,113, G>A. VCF-style: chr14-102008113-G-A. GRCh37 (hg19) VCF-style: chr14-102474450-G-A.
Identifiers: ClinVar variation 679347 (VCV000679347.2), dbSNP rs17512348, ClinGen allele CA267001181.